The following is an entry in ClinVar:

NM_001365536.1(SCN9A):c.101A>T (p.Glu34Val)

Gene: SCN9A (sodium voltage-gated channel alpha subunit 9; minus strand). Cytogenetic location: 2q24.3.
Variant type: single nucleotide variant.
Coding change: c.101A>T on transcript NM_001365536.1 (MANE Select); coding-DNA position 101, A replaced by T.
Protein change: p.Glu34Val; replaces glutamic acid 34 with valine.
Molecular consequence: missense variant.
Genome position (GRCh38, 1-based): chr2:166,311,656, T>A on the plus strand (A>T on the coding strand, the complement: SCN9A is on the minus strand). VCF-style: chr2-166311656-T-A. GRCh37 (hg19) VCF-style: chr2-167168166-T-A.
Other names: c.101A>T, p.Glu34Val (NM_002977.4); short protein forms E34V.
Identifiers: ClinVar variation 3753681 (VCV003753681.2).

ClinVar aggregate classification (germline): Uncertain significance (1 of 4 stars; one submission).

Conditions:
Neuropathy, hereditary sensory and autonomic, type 2A (HSAN2A). Also called: ACROOSTEOLYSIS, GIACCAI TYPE; ACROOSTEOLYSIS, NEUROGENIC; WNK1-Related HSAN2 (HSAN2A); MORVAN DISEASE; NEUROPATHY, CONGENITAL SENSORY; NEUROPATHY, HEREDITARY SENSORY RADICULAR, AUTOSOMAL RECESSIVE. Identifiers: Orphanet 970, MedGen C2752089, MONDO:0024309, OMIM 201300.
Generalized epilepsy with febrile seizures plus, type 7 (GEFSP7). Also called: GEFS+, TYPE 7. Identifiers: Orphanet 36387, MedGen C2751778, MONDO:0013470, OMIM 613863.

Submission:

Labcorp Genetics (formerly Invitae), Labcorp
Classification: Uncertain significance for Neuropathy, hereditary sensory and autonomic, type 2A; Generalized epilepsy with febrile seizures plus, type 7. Last evaluated: 2024-06-26. Review status: criteria provided, single submitter. Criteria: Invitae Variant Classification Sherloc (09022015). Collection method: clinical testing. Allele origin: germline.
Comment: This sequence change replaces glutamic acid, which is acidic and polar, with valine, which is neutral and non-polar, at codon 34 of the SCN9A protein (p.Glu34Val). This variant is not present in population databases (gnomAD no frequency). This variant has not been reported in the literature in individuals affected with SCN9A-related conditions. Advanced modeling of protein sequence and biophysical properties (such as structural, functional, and spatial information, amino acid conservation, physicochemical variation, residue mobility, and thermodynamic stability) has been performed at Invitae for this missense variant, however the output from this modeling did not meet the statistical confidence thresholds required to predict the impact of this variant on SCN9A protein function. In summary, the available evidence is currently insufficient to determine the role of this variant in disease. Therefore, it has been classified as a Variant of Uncertain Significance.